The following is an entry in ClinVar:

NM_177438.3(DICER1):c.855T>G (p.Asn285Lys)

Gene: DICER1 (dicer 1, ribonuclease III; minus strand). Cytogenetic location: 14q32.13.
Variant type: single nucleotide variant.
Coding change: c.855T>G on transcript NM_177438.3 (MANE Select); coding-DNA position 855, T replaced by G.
Protein change: p.Asn285Lys; replaces asparagine 285 with lysine.
Molecular consequence: missense variant.
Genome position (GRCh38, 1-based): chr14:95,126,628, A>C on the plus strand (T>G on the coding strand, the complement: DICER1 is on the minus strand). VCF-style: chr14-95126628-A-C. GRCh37 (hg19) VCF-style: chr14-95592965-A-C.
Other names: c.855T>G, p.Asn285Lys (NM_001195573.1, NM_001271282.3, NM_001291628.2 and 1 more transcripts); short protein forms N285K.
Identifiers: ClinVar variation 1486615 (VCV001486615.9), dbSNP rs2140232879, ClinGen allele CA390887522.

ClinVar aggregate classification (germline): Uncertain significance. Review status: criteria provided, multiple submitters, no conflicts (2 of 4 stars). 2 submissions from 2 submitters: Uncertain significance (2). Last evaluated 2021-11-04.

Conditions:
DICER1-related tumor predisposition. Also called: DICER1-related pleuropulmonary blastoma cancer predisposition syndrome; DICER1 syndrome. Identifiers: Orphanet 284343, MedGen C3839822, MONDO:0100216.
Hereditary cancer-predisposing syndrome. Also called: Neoplastic Syndromes, Hereditary; Tumor predisposition; Hereditary neoplastic syndrome; Hereditary Cancer Syndrome. Identifiers: Orphanet 140162, MedGen C0027672, MeSH D009386, MONDO:0015356.

Submissions (2):

Labcorp Genetics (formerly Invitae), Labcorp
Classification: Uncertain significance for DICER1-related tumor predisposition. Last evaluated: 2021-11-04. Review status: criteria provided, single submitter. Criteria: Invitae Variant Classification Sherloc (09022015). Collection method: clinical testing. Allele origin: germline.
Comment: In summary, the available evidence is currently insufficient to determine the role of this variant in disease. Therefore, it has been classified as a Variant of Uncertain Significance. This variant is not present in population databases (gnomAD no frequency). This variant has not been reported in the literature in individuals affected with DICER1-related conditions. Algorithms developed to predict the effect of missense changes on protein structure and function are either unavailable or do not agree on the potential impact of this missense change (SIFT: "Tolerated"; PolyPhen-2: "Possibly Damaging"; Align-GVGD: "Class C0"). Algorithms developed to predict the effect of sequence changes on RNA splicing suggest that this variant may create or strengthen a splice site. This sequence change replaces asparagine, which is neutral and polar, with lysine, which is basic and polar, at codon 285 of the DICER1 protein (p.Asn285Lys).

Ambry Genetics
Classification: Uncertain significance for Hereditary cancer-predisposing syndrome. Last evaluated: 2021-04-05. Review status: criteria provided, single submitter. Criteria: Ambry Variant Classification Scheme 2023. Collection method: clinical testing. Allele origin: germline.
Comment: The p.N285K variant (also known as c.855T>G), located in coding exon 6 of the DICER1 gene, results from a T to G substitution at nucleotide position 855. The asparagine at codon 285 is replaced by lysine, an amino acid with similar properties. This amino acid position is highly conserved in available vertebrate species. In addition, this alteration is predicted to be tolerated by in silico analysis. Since supporting evidence is limited at this time, the clinical significance of this alteration remains unclear.